The following is an entry in ClinVar:

NM_001909.5(CTSD):c.972+7G>A

Gene: CTSD (cathepsin D; minus strand). Cytogenetic location: 11p15.5.
Variant type: single nucleotide variant.
Coding change: c.972+7G>A on transcript NM_001909.5 (MANE Select); 7 bases into the intron after coding-DNA position 972, G replaced by A.
Molecular consequence: intron variant.
Genome position (GRCh38, 1-based): chr11:1,753,987, C>T on the plus strand (G>A on the coding strand, the complement: CTSD is on the minus strand). VCF-style: chr11-1753987-C-T. GRCh37 (hg19) VCF-style: chr11-1775217-C-T.
Identifiers: ClinVar variation 377761 (VCV000377761.12), dbSNP rs371747998, ClinGen allele CA5813983.

ClinVar aggregate classification (germline): Likely benign. Review status: criteria provided, multiple submitters, no conflicts (2 of 4 stars). 3 submissions from 3 submitters: Likely benign (2). 1 of the submissions does not count toward it. Last evaluated 2025-11-20.

Conditions:
CTSD-related disorder. Also called: CTSD-related condition.
Neuronal ceroid lipofuscinosis. Also called: Neuronal Ceroid Lipofuscinoses. Identifiers: Orphanet 216, Orphanet 79263, MedGen C0027877, MONDO:0016295. Disease mechanism: loss of function.

Allele frequency attached by ClinVar (database versions not stated): gnomAD 0.00004; gnomAD exomes 0.00005 and 0.00010; TOPMed 0.00005; ExAC 0.00007; ESP Exome Variant Server 0.00008.
gnomAD v4.1: 85 of 1,604,974 alleles (0.0053%); highest among the groups gnomAD compares: East Asian, 0.0067%; no homozygotes.

Submissions (3):

Labcorp Genetics (formerly Invitae), Labcorp
Classification: Likely benign for Neuronal ceroid lipofuscinosis. Last evaluated: 2025-11-20. Review status: criteria provided, single submitter. Criteria: Invitae Variant Classification Sherloc (09022015). Collection method: clinical testing. Allele origin: germline.

GeneDx
Classification: Likely benign. Last evaluated: 2016-06-06. Review status: criteria provided, single submitter. Criteria: GeneDx Variant Classification (06012015). Collection method: clinical testing. Allele origin: germline. Affected: yes.
Comment: This variant is considered likely benign or benign based on one or more of the following criteria: it is a conservative change, it occurs at a poorly conserved position in the protein, it is predicted to be benign by multiple in silico algorithms, and/or has population frequency not consistent with disease.

PreventionGenetics, part of Exact Sciences
Classification: Likely benign for CTSD-related condition. Last evaluated: 2019-12-26. Review status: no assertion criteria provided. Collection method: clinical testing. Allele origin: germline. Not counted in ClinVar's aggregate classification.
Comment: This variant is classified as likely benign based on ACMG/AMP sequence variant interpretation guidelines (Richards et al. 2015 PMID: 25741868, with internal and published modifications).